The following is an entry in ClinVar:

NC_000016.9:g.(?_8904916)_(8906983_?)dup

Gene: PMM2 (phosphomannomutase 2; plus strand). Cytogenetic location: 16p13.2.
Variant type: Duplication.
Identifiers: ClinVar variation 3243366 (VCV003243366.1).

ClinVar aggregate classification (germline): Likely pathogenic (1 of 4 stars; one submission).

Conditions:
PMM2-congenital disorder of glycosylation. Also called: CDG Ia; JAEKEN SYNDROME; PHOSPHOMANNOMUTASE 2 DEFICIENCY; CARBOHYDRATE-DEFICIENT GLYCOPROTEIN SYNDROME, TYPE Ia; Congenital disorder of glycosylation, type Ia; PMM2-CDG. Identifiers: Orphanet 79318, MedGen C0349653, MONDO:0008907, OMIM 212065.

Submission:

Labcorp Genetics (formerly Invitae), Labcorp
Classification: Likely pathogenic for PMM2-congenital disorder of glycosylation. Last evaluated: 2023-12-26. Review status: criteria provided, single submitter. Criteria: Invitae Variant Classification Sherloc (09022015). Collection method: clinical testing. Allele origin: unknown.
Comment: This variant results in a copy number gain of the genomic region encompassing exon(s) 5-7 of the PMM2 gene. While the exact position of this variant cannot be determined from the data, sub-genic copy number gains are generally in tandem (PMID: 25640679). This variant is predicted to be out-of-frame, and may result in an absent or disrupted protein product. Loss-of-function variants in PMM2 are known to be pathogenic (PMID: 19862844). This variant has not been reported in the literature in individuals affected with PMM2-related conditions. Experimental studies and prediction algorithms are not available or were not evaluated, and the functional significance of this variant is currently unknown. In summary, the currently available evidence indicates that the variant is pathogenic, but additional data are needed to prove that conclusively. Therefore, this variant has been classified as Likely Pathogenic.

Literature cited by the submitters: PubMed 25640679; PubMed 19862844.